The following is an entry in ClinVar:

NM_004482.4(GALNT3):c.1521A>G (p.Gly507=)

Gene: GALNT3 (polypeptide N-acetylgalactosaminyltransferase 3; minus strand). Cytogenetic location: 2q24.3.
Variant type: single nucleotide variant.
Coding change: c.1521A>G on transcript NM_004482.4 (MANE Select); coding-DNA position 1521, A replaced by G.
Protein change: p.Gly507=; no amino-acid change (glycine 507 retained).
Molecular consequence: synonymous variant.
Genome position (GRCh38, 1-based): chr2:165,754,935, T>C on the plus strand (A>G on the coding strand, the complement: GALNT3 is on the minus strand). VCF-style: chr2-165754935-T-C. GRCh37 (hg19) VCF-style: chr2-166611445-T-C.
Identifiers: ClinVar variation 2054411 (VCV002054411.4), dbSNP rs2105403122, ClinGen allele CA429885765.

ClinVar aggregate classification (germline): Uncertain significance (1 of 4 stars; one submission).

Submission:

Labcorp Genetics (formerly Invitae), Labcorp
Classification: Uncertain significance. Last evaluated: 2023-05-15. Review status: criteria provided, single submitter. Criteria: Invitae Variant Classification Sherloc (09022015). Collection method: clinical testing. Allele origin: germline.
Comment: Algorithms developed to predict the effect of sequence changes on RNA splicing suggest that this variant may disrupt the consensus splice site. This variant is not present in population databases (gnomAD no frequency). This variant has not been reported in the literature in individuals affected with GALNT3-related conditions. ClinVar contains an entry for this variant (Variation ID: 2054411). In summary, the available evidence is currently insufficient to determine the role of this variant in disease. Therefore, it has been classified as a Variant of Uncertain Significance. This sequence change affects codon 507 of the GALNT3 mRNA. It is a 'silent' change, meaning that it does not change the encoded amino acid sequence of the GALNT3 protein.